The following is an entry in ClinVar:

ClinVar aggregate classification (germline): Uncertain significance. Review status: criteria provided, multiple submitters, no conflicts (2 of 4 stars). 2 submissions from 2 submitters: Uncertain significance (2). Last evaluated 2023-11-14.

Allele frequency attached by ClinVar (database versions not stated): gnomAD exomes 0.00007; ExAC 0.00014.
gnomAD v4.1: 134 of 1,590,634 alleles (0.0084%); highest among the groups gnomAD compares: Non-Finnish European, 0.011%; no homozygotes.

Submissions (2):

Blueprint Genetics
Classification: Uncertain significance. Last evaluated: 2023-11-14. Review status: criteria provided, single submitter. Criteria: ACMG Guidelines, 2015. Collection method: clinical testing. Allele origin: germline.

Labcorp Genetics (formerly Invitae), Labcorp
Classification: Uncertain significance. Last evaluated: 2022-04-15. Review status: criteria provided, single submitter. Criteria: Invitae Variant Classification Sherloc (09022015). Collection method: clinical testing. Allele origin: germline.
Comment: This sequence change replaces proline, which is neutral and non-polar, with leucine, which is neutral and non-polar, at codon 120 of the ARHGEF18 protein (p.Pro120Leu). This variant is present in population databases (rs554689879, gnomAD 0.01%). This variant has not been reported in the literature in individuals affected with ARHGEF18-related conditions. Algorithms developed to predict the effect of missense changes on protein structure and function are either unavailable or do not agree on the potential impact of this missense change (SIFT: "Deleterious"; PolyPhen-2: "Possibly Damaging"; Align-GVGD: "Class C0"). In summary, the available evidence is currently insufficient to determine the role of this variant in disease. Therefore, it has been classified as a Variant of Uncertain Significance.

NM_001367823.1(ARHGEF18):c.968-45C>T

Gene: ARHGEF18 (Rho/Rac guanine nucleotide exchange factor 18; plus strand). Cytogenetic location: 19p13.2.
Variant type: single nucleotide variant.
Coding change: c.968-45C>T on transcript NM_001367823.1 (MANE Select); 45 bases into the intron before coding-DNA position 968, C replaced by T.
Molecular consequence: intron variant. On other transcripts: missense variant (1), 5 prime UTR variant (1).
Genome position (GRCh38, 1-based): chr19:7,440,299, C>T. VCF-style: chr19-7440299-C-T. GRCh37 (hg19) VCF-style: chr19-7505185-C-T.
Other names: c.197C>T, p.Pro66Leu (NM_001130955.2); c.-116C>T (NM_001367824.1); c.-71-45C>T (NM_015318.4); short protein forms P66L.
Identifiers: ClinVar variation 1525099 (VCV001525099.6), dbSNP rs554689879, ClinGen allele CA9136303.